The following is an entry in ClinVar:

ClinVar aggregate classification (germline): Uncertain significance (1 of 4 stars; one submission).

Conditions:
Hereditary cancer-predisposing syndrome. Also called: Neoplastic Syndromes, Hereditary; Tumor predisposition; Hereditary neoplastic syndrome; Hereditary Cancer Syndrome. Identifiers: Orphanet 140162, MedGen C0027672, MeSH D009386, MONDO:0015356.

Submission:

Ambry Genetics
Classification: Uncertain significance for Hereditary cancer-predisposing syndrome. Last evaluated: 2022-11-09. Review status: criteria provided, single submitter. Criteria: Ambry Variant Classification Scheme 2023. Collection method: clinical testing. Allele origin: germline.
Comment: The p.R215L variant (also known as c.644G>T), located in coding exon 6 of the NBN gene, results from a G to T substitution at nucleotide position 644. The arginine at codon 215 is replaced by leucine, an amino acid with dissimilar properties. This amino acid position is poorly conserved in available vertebrate species. In addition, this alteration is predicted to be tolerated by in silico analysis. Since supporting evidence is limited at this time, the clinical significance of this alteration remains unclear.

NM_002485.5(NBN):c.644G>T (p.Arg215Leu)

Gene: NBN (nibrin; minus strand). Cytogenetic location: 8q21.3.
Variant type: single nucleotide variant.
Coding change: c.644G>T on transcript NM_002485.5 (MANE Select); coding-DNA position 644, G replaced by T.
Protein change: p.Arg215Leu; replaces arginine 215 with leucine.
Molecular consequence: missense variant.
Genome position (GRCh38, 1-based): chr8:89,971,231, C>A on the plus strand (G>T on the coding strand, the complement: NBN is on the minus strand). VCF-style: chr8-89971231-C-A. GRCh37 (hg19) VCF-style: chr8-90983459-C-A.
Other names: c.398G>T, p.Arg133Leu (NM_001024688.3); short protein forms R133L, R215L.
Identifiers: ClinVar variation 2452392 (VCV002452392.2), dbSNP rs61753718, ClinGen allele CA371659146.
Genomic context (GRCh38, chr8:89,971,231, plus strand): 5'-ACCTGTTTGGCATTCAAAAATATAAATGTTTTCCCTTTGAAGATTTGTTTTCTTTCCTGC[C>A]GTCCTGACAGATCAACATTTTTACTTCCAATAGATGGTTCATCAAGAGGTGGGTAAAAAC-3'
Protein context (NP_002476.2, residues 205-225): IGSKNVDLSG[Arg215Leu]QERKQIFKGK